The following is an entry in ClinVar:

NM_000548.5(TSC2):c.2818C>T (p.Leu940Phe)

Gene: TSC2 (TSC complex subunit 2; plus strand). Cytogenetic location: 16p13.3.
Variant type: single nucleotide variant.
Coding change: c.2818C>T on transcript NM_000548.5 (MANE Select); coding-DNA position 2818, C replaced by T.
Protein change: p.Leu940Phe; replaces leucine 940 with phenylalanine.
Molecular consequence: missense variant.
Genome position (GRCh38, 1-based): chr16:2,076,566, C>T. VCF-style: chr16-2076566-C-T. GRCh37 (hg19) VCF-style: chr16-2126567-C-T.
Other names: c.2818C>T, p.Leu940Phe (NM_001077183.3, NM_001114382.3, NM_001363528.2 and 3 more transcripts); c.2707C>T, p.Leu903Phe (NM_001318827.2); c.2671C>T, p.Leu891Phe (NM_001318829.2); c.2218C>T, p.Leu740Phe (NM_001318831.2); c.2851C>T, p.Leu951Phe (NM_001318832.2); short protein forms L903F, L940F, L891F, L740F, L951F.
Identifiers: ClinVar variation 665968 (VCV000665968.14), dbSNP rs1378325757, ClinGen allele CA394280196.

ClinVar aggregate classification (germline): Conflicting classifications of pathogenicity. Review status: criteria provided, conflicting classifications (1 of 4 stars). 3 submissions from 3 submitters: Uncertain significance (2); Benign (1). Last evaluated 2026-09-01.

Conditions:
Hereditary cancer-predisposing syndrome. Also called: Neoplastic Syndromes, Hereditary; Hereditary neoplastic syndrome; Hereditary Cancer Syndrome; Tumor predisposition. Identifiers: Orphanet 140162, MedGen C0027672, MeSH D009386, MONDO:0015356.
Tuberous sclerosis 2 (TSC2). Identifiers: Orphanet 805, MedGen C1860707, MONDO:0013199, OMIM 613254.

Allele frequency attached by ClinVar (database versions not stated): gnomAD exomes below 0.00001.
gnomAD v4.1: 1 of 1,613,194 alleles (0.000062%); highest among the groups gnomAD compares: Admixed American, 0.0017%; no homozygotes.

Submissions (3):

CeGaT Center for Human Genetics Tuebingen
Classification: Uncertain significance. Last evaluated: 2026-09-01. Review status: criteria provided, single submitter. Criteria: CeGaT Center For Human Genetics Tuebingen Variant Classification Criteria Version 2. Collection method: clinical testing. Allele origin: germline. Affected: yes. Observed: 1 variant allele.
Comment: TSC2: PM2, PP3

Labcorp Genetics (formerly Invitae), Labcorp
Classification: Benign for Tuberous sclerosis 2. Last evaluated: 2024-06-09. Review status: criteria provided, single submitter. Criteria: Invitae Variant Classification Sherloc (09022015). Collection method: clinical testing. Allele origin: germline.

Ambry Genetics
Classification: Uncertain significance for Hereditary cancer-predisposing syndrome. Last evaluated: 2022-03-19. Review status: criteria provided, single submitter. Criteria: Ambry Variant Classification Scheme 2023. Collection method: clinical testing. Allele origin: germline.
Comment: The p.L940F variant (also known as c.2818C>T), located in coding exon 24 of the TSC2 gene, results from a C to T substitution at nucleotide position 2818. The leucine at codon 940 is replaced by phenylalanine, an amino acid with highly similar properties. This amino acid position is conserved. In addition, this alteration is predicted to be deleterious by in silico analysis. Since supporting evidence is limited at this time, the clinical significance of this alteration remains unclear.